The following is an entry in ClinVar:

NM_000465.4(BARD1):c.1886G>T (p.Trp629Leu)

Gene: BARD1 (BRCA1 associated RING domain 1; minus strand). Cytogenetic location: 2q35.
Variant type: single nucleotide variant.
Coding change: c.1886G>T on transcript NM_000465.4 (MANE Select); coding-DNA position 1886, G replaced by T.
Protein change: p.Trp629Leu; replaces tryptophan 629 with leucine.
Molecular consequence: missense variant. On other transcripts: non-coding transcript variant (3), intron variant (1).
Genome position (GRCh38, 1-based): chr2:214,745,084, C>A on the plus strand (G>T on the coding strand, the complement: BARD1 is on the minus strand). VCF-style: chr2-214745084-C-A. GRCh37 (hg19) VCF-style: chr2-215609808-C-A.
Other names: c.1829G>T, p.Trp610Leu (NM_001282543.2); c.533G>T, p.Trp178Leu (NM_001282545.2); c.476G>T, p.Trp159Leu (NM_001282548.2); c.365-14576G>T (NM_001282549.2); short protein forms W629L, W178L, W610L, W159L.
Identifiers: ClinVar variation 460729 (VCV000460729.20), dbSNP rs747446711, ClinGen allele CA2090144.

ClinVar aggregate classification (germline): Uncertain significance. Review status: criteria provided, multiple submitters, no conflicts (2 of 4 stars). 4 submissions from 4 submitters: Uncertain significance (4). Last evaluated 2025-09-10.

Conditions:
Hereditary cancer-predisposing syndrome. Also called: Neoplastic Syndromes, Hereditary; Tumor predisposition; Hereditary Cancer Syndrome; Hereditary neoplastic syndrome. Identifiers: Orphanet 140162, MedGen C0027672, MeSH D009386, MONDO:0015356.
Familial cancer of breast. Also called: BREAST CANCER, FAMILIAL; hereditary breast carcinoma; Hereditary breast cancer. Identifiers: Orphanet 227535, MedGen C0346153, MONDO:0016419, OMIM 114480. Disease mechanism: loss of function.

gnomAD v4.1: 5 of 1,613,784 alleles (0.00031%); highest among the groups gnomAD compares: Non-Finnish European, 0.00042%; no homozygotes.

Submissions (4):

Ambry Genetics
Classification: Uncertain significance for Hereditary cancer-predisposing syndrome. Last evaluated: 2025-09-10. Review status: criteria provided, single submitter. Criteria: Ambry Variant Classification Scheme 2023. Collection method: clinical testing. Allele origin: germline.
Comment: The p.W629L variant (also known as c.1886G>T), located in coding exon 9 of the BARD1 gene, results from a G to T substitution at nucleotide position 1886. The tryptophan at codon 629 is replaced by leucine, an amino acid with similar properties. This variant was also detected in a cohort of 1/1663 Brazilian breast cancer patients who underwent hereditary multigene panel testing (Guindalini RSC et al. Sci Rep, 2022 Mar;12:4190). This amino acid position is highly conserved in available vertebrate species. In addition, this alteration is predicted to be deleterious by in silico analysis. Since supporting evidence is limited at this time, the clinical significance of this alteration remains unclear.

Labcorp Genetics (formerly Invitae), Labcorp
Classification: Uncertain significance for Familial cancer of breast. Last evaluated: 2023-06-28. Review status: criteria provided, single submitter. Criteria: Invitae Variant Classification Sherloc (09022015). Collection method: clinical testing. Allele origin: germline.
Comment: This missense change has been observed in individual(s) with male breast cancer (PMID: 30613976). This variant is present in population databases (rs747446711, gnomAD 0.0009%). This sequence change replaces tryptophan, which is neutral and slightly polar, with leucine, which is neutral and non-polar, at codon 629 of the BARD1 protein (p.Trp629Leu). ClinVar contains an entry for this variant (Variation ID: 460729). In summary, the available evidence is currently insufficient to determine the role of this variant in disease. Therefore, it has been classified as a Variant of Uncertain Significance. An algorithm developed to predict the effect of missense changes on protein structure and function (PolyPhen-2) suggests that this variant is likely to be disruptive.

Color Diagnostics, LLC DBA Color Health
Classification: Uncertain significance for Hereditary cancer-predisposing syndrome. Last evaluated: 2023-02-28. Review status: criteria provided, single submitter. Criteria: ACMG Guidelines, 2015. Collection method: clinical testing. Allele origin: germline.
Comment: This missense variant replaces tryptophan with leucine at codon 629 of the BARD1 protein. Computational prediction suggests that this variant may not impact protein structure and function (internally defined REVEL score threshold <= 0.5, PMID: 27666373). To our knowledge, functional studies have not been reported for this variant. This variant has been identified in 1/251198 chromosomes in the general population by the Genome Aggregation Database (gnomAD). The available evidence is insufficient to determine the role of this variant in disease conclusively. Therefore, this variant is classified as a Variant of Uncertain Significance.

Mendelics
Classification: Uncertain significance for Familial cancer of breast. Last evaluated: 2018-07-02. Review status: criteria provided, single submitter. Criteria: Mendelics Assertion Criteria 2017. Collection method: clinical testing. Allele origin: unknown.

Literature cited by the submitters: PubMed 30613976 (cited by 3 submitters); PubMed 35264596 (cited by Ambry Genetics).